The following is an entry in ClinVar:

NC_000001.10:g.(?_74832920)_(74836096_?)del

Genes: FPGT-TNNI3K (FPGT-TNNI3K readthrough; plus strand), TNNI3K (TNNI3 interacting kinase; plus strand). Cytogenetic location: 1p31.1.
Variant type: Deletion.
Identifiers: ClinVar variation 1412005 (VCV001412005.7).

ClinVar aggregate classification (germline): Uncertain significance (1 of 4 stars; one submission).

Submission:

Labcorp Genetics (formerly Invitae), Labcorp
Classification: Uncertain significance. Last evaluated: 2023-09-03. Review status: criteria provided, single submitter. Criteria: Invitae Variant Classification Sherloc (09022015). Collection method: clinical testing. Allele origin: germline.
Comment: This variant is a gross deletion of the genomic region encompassing exon(s) 12-17 of the TNNI3K gene. This deletion is out-of-frame, and is expected to create a premature translational stop signal and result in an absent or disrupted protein product. However, the current clinical and genetic evidence is not sufficient to establish whether loss-of-function variants in TNNI3K cause disease. This variant has not been reported in the literature in individuals affected with TNNI3K-related conditions. In summary, the available evidence is currently insufficient to determine the role of this variant in disease. Therefore, it has been classified as a Variant of Uncertain Significance.